The following is an entry in ClinVar:

NM_000264.5(PTCH1):c.847A>T (p.Asn283Tyr)

Gene: PTCH1 (patched 1; minus strand). Cytogenetic location: 9q22.32.
Variant type: single nucleotide variant.
Coding change: c.847A>T on transcript NM_000264.5 (MANE Select); coding-DNA position 847, A replaced by T.
Protein change: p.Asn283Tyr; replaces asparagine 283 with tyrosine.
Molecular consequence: missense variant. On other transcripts: non-coding transcript variant (1).
Genome position (GRCh38, 1-based): chr9:95,480,488, T>A on the plus strand (A>T on the coding strand, the complement: PTCH1 is on the minus strand). VCF-style: chr9-95480488-T-A. GRCh37 (hg19) VCF-style: chr9-98242770-T-A.
Other names: c.844A>T, p.Asn282Tyr (NM_001083603.3); c.394A>T, p.Asn132Tyr (NM_001083604.3, NM_001083605.3, NM_001083606.3 and 1 more transcripts); c.649A>T, p.Asn217Tyr (NM_001083602.3); c.847A>T, p.Asn283Tyr (NM_001354918.2); short protein forms N282Y, N283Y, N217Y, N132Y.
Identifiers: ClinVar variation 647992 (VCV000647992.12), dbSNP rs1588610162, ClinGen allele CA374114055.
Genomic context (GRCh38, chr9:95,480,488, plus strand): 5'-CTGGATCGGCCGGATTGAGGCAGGGGCGGTCCATGTAACCATGACCAACCTCAGCCTTAT[T>A]CAGCATTTCCTCCCAGCTGTCCACTTGATAGTTTATTTTCTTTAACTCTTCCAGGAATTC-3'
Protein context (NP_000255.2, residues 273-293): YQVDSWEEML[Asn283Tyr]KAEVGHGYMD

ClinVar aggregate classification (germline): Uncertain significance. Review status: criteria provided, multiple submitters, no conflicts (2 of 4 stars). 2 submissions from 2 submitters: Uncertain significance (2). Last evaluated 2024-07-24.

Conditions:
Gorlin syndrome. Also called: Basal cell nevus syndrome; Nevoid Basal Cell Carcinoma Syndrome. Identifiers: Orphanet 377, MedGen C0004779, MONDO:0007187.
Hereditary cancer-predisposing syndrome. Also called: Hereditary Cancer Syndrome; Tumor predisposition; Neoplastic Syndromes, Hereditary; Hereditary neoplastic syndrome. Identifiers: Orphanet 140162, MedGen C0027672, MeSH D009386, MONDO:0015356.

Allele frequency attached by ClinVar (database versions not stated): gnomAD exomes below 0.00001; TOPMed below 0.00001; gnomAD 0.00001.
gnomAD v4.1: 3 of 1,612,938 alleles (0.00019%); highest among the groups gnomAD compares: Non-Finnish European, 0.00025%; no homozygotes.

Submissions (2):

Ambry Genetics
Classification: Uncertain significance for Hereditary cancer-predisposing syndrome. Last evaluated: 2024-07-24. Review status: criteria provided, single submitter. Criteria: Ambry Variant Classification Scheme 2023. Collection method: clinical testing. Allele origin: germline.
Comment: The p.N283Y variant (also known as c.847A>T), located in coding exon 6 of the PTCH1 gene, results from an A to T substitution at nucleotide position 847. The asparagine at codon 283 is replaced by tyrosine, an amino acid with dissimilar properties. This amino acid position is conserved. In addition, the in silico prediction for this alteration is inconclusive. Since supporting evidence is limited at this time, the clinical significance of this alteration remains unclear.

Labcorp Genetics (formerly Invitae), Labcorp
Classification: Uncertain significance for Gorlin syndrome. Last evaluated: 2024-05-31. Review status: criteria provided, single submitter. Criteria: Invitae Variant Classification Sherloc (09022015). Collection method: clinical testing. Allele origin: germline.
Comment: This sequence change replaces asparagine, which is neutral and polar, with tyrosine, which is neutral and polar, at codon 283 of the PTCH1 protein (p.Asn283Tyr). This variant is not present in population databases (gnomAD no frequency). This variant has not been reported in the literature in individuals affected with PTCH1-related conditions. ClinVar contains an entry for this variant (Variation ID: 647992). Advanced modeling of protein sequence and biophysical properties (such as structural, functional, and spatial information, amino acid conservation, physicochemical variation, residue mobility, and thermodynamic stability) performed at Invitae indicates that this missense variant is not expected to disrupt PTCH1 protein function with a negative predictive value of 95%. In summary, the available evidence is currently insufficient to determine the role of this variant in disease. Therefore, it has been classified as a Variant of Uncertain Significance.